The following is an entry in ClinVar:

ClinVar aggregate classification (germline): Conflicting classifications of pathogenicity. Review status: criteria provided, conflicting classifications (1 of 4 stars). 5 submissions from 5 submitters: Uncertain significance (3); Benign (1); Likely benign (1). Last evaluated 2025-12-15.

Conditions:
Tuberous sclerosis 2 (TSC2). Identifiers: Orphanet 805, MedGen C1860707, MONDO:0013199, OMIM 613254.
Tuberous sclerosis syndrome (TSC). Also called: Tuberous Sclerosis Complex; Tuberous sclerosis. Identifiers: Orphanet 805, MedGen C0041341, MONDO:0001734.
Hereditary cancer-predisposing syndrome. Also called: Hereditary neoplastic syndrome; Neoplastic Syndromes, Hereditary; Hereditary Cancer Syndrome; Tumor predisposition. Identifiers: Orphanet 140162, MedGen C0027672, MeSH D009386, MONDO:0015356.

Allele frequency attached by ClinVar (database versions not stated): gnomAD exomes below 0.00001; TOPMed below 0.00001; gnomAD 0.00001.
gnomAD v4.1: 4 of 1,612,896 alleles (0.00025%); highest among the groups gnomAD compares: East Asian, 0.0089%; no homozygotes.

Submissions (5):

Labcorp Genetics (formerly Invitae), Labcorp
Classification: Benign for Tuberous sclerosis 2. Last evaluated: 2025-12-15. Review status: criteria provided, single submitter. Criteria: Invitae Variant Classification Sherloc (09022015). Collection method: clinical testing. Allele origin: germline.

Ambry Genetics
Classification: Likely benign for Hereditary cancer-predisposing syndrome. Last evaluated: 2025-12-11. Review status: criteria provided, single submitter. Criteria: Ambry Variant Classification Scheme 2023. Collection method: clinical testing. Allele origin: germline.

GeneDx
Classification: Uncertain significance. Last evaluated: 2024-04-14. Review status: criteria provided, single submitter. Criteria: GeneDx Variant Classification Process June 2021. Collection method: clinical testing. Allele origin: germline. Affected: yes.
Comment: Not observed at significant frequency in large population cohorts (gnomAD); In silico analysis supports that this missense variant does not alter protein structure/function; Observed in a patient with clinically suspected tuberous sclerosis complex, and was reported to be paternally inherited (PMID: 32917966); This variant is associated with the following publications: (PMID: 18466115, 32917966)

All of Us Research Program, National Institutes of Health
Classification: Uncertain significance for Tuberous sclerosis syndrome. Last evaluated: 2023-12-18. Review status: criteria provided, single submitter. Criteria: ACMG Guidelines, 2015. Collection method: clinical testing. Allele origin: germline. Inheritance: Autosomal dominant inheritance. Observed: 1 variant allele, 1 heterozygote.
Comment: This missense variant replaces valine with leucine at codon 1683 of the TSC2 protein. Computational prediction is inconclusive regarding the impact of this variant on protein structure and function (internally defined REVEL score threshold 0.5 < inconclusive < 0.7, PMID: 27666373). To our knowledge, functional studies have not been reported for this variant. This variant has been reported in an individual with suspected tuberous sclerosis complex (PMID: 32917966) . This variant has not been identified in the general population by the Genome Aggregation Database (gnomAD). The available evidence is insufficient to determine the role of this variant in disease conclusively. Therefore, this variant is classified as a Variant of Uncertain Significance.

This study involves interpretation of variants in research participants for the purpose of population health screening. Participant phenotype was not available at the time of variant classification. Additional details can be found in publication PMID: 35346344, PMCID: PMC8962531

Color Diagnostics, LLC DBA Color Health
Classification: Uncertain significance for Tuberous sclerosis syndrome. Last evaluated: 2023-11-28. Review status: criteria provided, single submitter. Criteria: ACMG Guidelines, 2015. Collection method: clinical testing. Allele origin: germline.
Comment: This missense variant replaces valine with leucine at codon 1683 of the TSC2 protein. Computational prediction is inconclusive regarding the impact of this variant on protein structure and function. To our knowledge, functional studies have not been reported for this variant. This variant has been reported in an individual with suspected tuberous sclerosis complex (PMID: 32917966) . This variant has not been identified in the general population by the Genome Aggregation Database (gnomAD). The available evidence is insufficient to determine the role of this variant in disease conclusively. Therefore, this variant is classified as a Variant of Uncertain Significance.

Literature cited by the submitters: PubMed 32917966 (cited by 3 submitters).

NM_000548.5(TSC2):c.5047G>C (p.Val1683Leu)

Gene: TSC2 (TSC complex subunit 2; plus strand). Cytogenetic location: 16p13.3.
Variant type: single nucleotide variant.
Coding change: c.5047G>C on transcript NM_000548.5 (MANE Select); coding-DNA position 5047, G replaced by C.
Protein change: p.Val1683Leu; replaces valine 1683 with leucine.
Molecular consequence: missense variant.
Genome position (GRCh38, 1-based): chr16:2,087,920, G>C. VCF-style: chr16-2087920-G-C. GRCh37 (hg19) VCF-style: chr16-2137921-G-C.
Other names: c.4846G>C, p.Val1616Leu (NM_001077183.3); c.4978G>C, p.Val1660Leu (NM_001114382.3); c.4738G>C, p.Val1580Leu (NM_001318827.2); c.4702G>C, p.Val1568Leu (NM_001318829.2); c.4315G>C, p.Val1439Leu (NM_001318831.2); c.4879G>C, p.Val1627Leu (NM_001318832.2); c.4849G>C, p.Val1617Leu (NM_001363528.2); c.4915G>C, p.Val1639Leu (NM_001370404.1); and 1 more; short protein forms V1580L, V1640L, V1568L, V1616L, V1627L, V1639L, V1683L, V1439L.
Identifiers: ClinVar variation 1396330 (VCV001396330.13), dbSNP rs1596455392, ClinGen allele CA394311528.